The following is an entry in ClinVar:

ClinVar aggregate classification (germline): Uncertain significance (1 of 4 stars; one submission).

Conditions:
Neuronal ceroid lipofuscinosis 7 (CLN7). Also called: MFSD8-Related Neuronal Ceroid-Lipofuscinosis. Identifiers: Orphanet 168491, Orphanet 228366, MedGen C1838571, MONDO:0012588, OMIM 610951.

Submission:

Labcorp Genetics (formerly Invitae), Labcorp
Classification: Uncertain significance for Neuronal ceroid lipofuscinosis 7. Last evaluated: 2019-12-16. Review status: criteria provided, single submitter. Criteria: Invitae Variant Classification Sherloc (09022015). Collection method: clinical testing. Allele origin: germline.
Comment: This variant is not present in population databases (ExAC no frequency). In summary, the available evidence is currently insufficient to determine the role of this variant in disease. Therefore, it has been classified as a Variant of Uncertain Significance. Nucleotide substitutions within the consensus splice site are a relatively common cause of aberrant splicing (PMID: 17576681, 9536098). Algorithms developed to predict the effect of sequence changes on RNA splicing suggest that this variant may disrupt the consensus splice site, but this prediction has not been confirmed by published transcriptional studies. Algorithms developed to predict the effect of missense changes on protein structure and function (SIFT, PolyPhen-2, Align-GVGD) all suggest that this variant is likely to be tolerated, but these predictions have not been confirmed by published functional studies and their clinical significance is uncertain. This variant has not been reported in the literature in individuals with MFSD8-related conditions. This sequence change replaces alanine with serine at codon 252 of the MFSD8 protein (p.Ala252Ser). The alanine residue is weakly conserved and there is a moderate physicochemical difference between alanine and serine. This variant also falls at the last nucleotide of exon 8 of the MFSD8 coding sequence, which is part of the consensus splice site for this exon.

Literature cited by the submitters: PubMed 17576681; PubMed 9536098.

NM_001371596.2(MFSD8):c.754G>T (p.Ala252Ser)

Gene: MFSD8 (major facilitator superfamily domain containing 8; minus strand). Cytogenetic location: 4q28.2.
Variant type: single nucleotide variant.
Coding change: c.754G>T on transcript NM_001371596.2 (MANE Select); coding-DNA position 754, G replaced by T.
Protein change: p.Ala252Ser; replaces alanine 252 with serine.
Molecular consequence: missense variant. On other transcripts: intron variant (3).
Genome position (GRCh38, 1-based): chr4:127,938,783, C>A on the plus strand (G>T on the coding strand, the complement: MFSD8 is on the minus strand). VCF-style: chr4-127938783-C-A. GRCh37 (hg19) VCF-style: chr4-128859938-C-A.
Other names: c.619G>T, p.Ala207Ser (NM_001371590.2); c.754G>T, p.Ala252Ser (NM_001371591.2, NM_152778.4); c.760G>T, p.Ala254Ser (NM_001371592.2); c.640G>T, p.Ala214Ser (NM_001371593.2, NM_001410766.1); c.607G>T, p.Ala203Ser (NM_001371594.2); c.472G>T, p.Ala158Ser (NM_001371595.1); c.304+4969G>T (NM_001410765.1); c.439+4969G>T (NM_001363521.3); and 1 more; short protein forms A214S, A254S, A158S, A203S, A207S, A252S.
Identifiers: ClinVar variation 848575 (VCV000848575.8), dbSNP rs1739583922, ClinGen allele CA358175161.